The following is an entry in ClinVar:

NM_020207.7(ERCC6L2):c.4090A>C (p.Thr1364Pro)

Gene: ERCC6L2 (ERCC excision repair 6 like 2; plus strand). Cytogenetic location: 9q22.32.
Variant type: single nucleotide variant.
Coding change: c.4090A>C on transcript NM_020207.7 (MANE Select); coding-DNA position 4090, A replaced by C.
Protein change: p.Thr1364Pro; replaces threonine 1364 with proline.
Molecular consequence: missense variant. On other transcripts: non-coding transcript variant (1), intron variant (2).
Genome position (GRCh38, 1-based): chr9:96,012,640, A>C. VCF-style: chr9-96012640-A-C. GRCh37 (hg19) VCF-style: chr9-98774922-A-C.
Other names: c.3674+7939A>C (NM_001375291.1, NM_001375292.1); short protein forms T1364P.
Identifiers: ClinVar variation 1054208 (VCV001054208.13), dbSNP rs147269000, ClinGen allele CA5140048.
Genomic context (GRCh38, chr9:96,012,640, plus strand): 5'-TCCTATAGAGAAGAGGTGTTTTTTAATGATGCAGAAACTAAGAAATCACCTGTTAGTTCT[A>C]CTCAAGAGATTGACAGTGGGAAAAACAGCCAGGCATCCGAAGATACTGTGACATCCCGTT-3'
Protein context (NP_064592.3, residues 1354-1374): AETKKSPVSS[Thr1364Pro]QEIDSGKNSQ

ClinVar aggregate classification (germline): Conflicting classifications of pathogenicity. Review status: criteria provided, conflicting classifications (1 of 4 stars). 5 submissions from 5 submitters: Uncertain significance (3); Likely benign (1). 1 of the submissions does not count toward it. Last evaluated 2025-06-17.

Conditions:
ERCC6L2-related disorder. Also called: ERCC6L2-related condition.
Pancytopenia-developmental delay syndrome. Also called: Bone marrow failure syndrome 2. Identifiers: Orphanet 401764, MedGen C3810350, MONDO:0014317, OMIM 615715.

Allele frequency attached by ClinVar (database versions not stated): gnomAD exomes 0.00093 and 0.00185; ExAC 0.00097; gnomAD 0.00111 and 0.00118; TOPMed 0.00114; ESP Exome Variant Server 0.00246.
gnomAD v4.1: 2,416 of 1,367,622 alleles (0.18%); highest among the groups gnomAD compares: Non-Finnish European, 0.22%; 3 homozygotes.

Submissions (5):

ARUP Laboratories, Molecular Genetics and Genomics, ARUP Laboratories
Classification: Likely benign for Pancytopenia-developmental delay syndrome. Last evaluated: 2025-06-17. Review status: criteria provided, single submitter. Criteria: ARUP Molecular Germline Variant Investigation Process 2024. Collection method: clinical testing. Allele origin: germline.

Blueprint Genetics
Classification: Uncertain significance. Last evaluated: 2024-10-14. Review status: criteria provided, single submitter. Criteria: ACMG Guidelines, 2015. Collection method: clinical testing. Allele origin: germline.

Labcorp Genetics (formerly Invitae), Labcorp
Classification: Uncertain significance. Last evaluated: 2024-01-19. Review status: criteria provided, single submitter. Criteria: Invitae Variant Classification Sherloc (09022015). Collection method: clinical testing. Allele origin: germline.
Comment: This sequence change replaces threonine, which is neutral and polar, with proline, which is neutral and non-polar, at codon 1375 of the ERCC6L2 protein (p.Thr1375Pro). This variant is present in population databases (rs147269000, gnomAD 0.2%), and has an allele count higher than expected for a pathogenic variant. This variant has not been reported in the literature in individuals affected with ERCC6L2-related conditions. ClinVar contains an entry for this variant (Variation ID: 1054208). Experimental studies and prediction algorithms are not available or were not evaluated, and the functional significance of this variant is currently unknown. In summary, the available evidence is currently insufficient to determine the role of this variant in disease. Therefore, it has been classified as a Variant of Uncertain Significance.

Genetic Services Laboratory, University of Chicago
Classification: Uncertain significance. Last evaluated: 2021-12-03. Review status: criteria provided, single submitter. Criteria: ACMG Guidelines, 2015. Collection method: clinical testing. Allele origin: germline. Affected: no.

PreventionGenetics, part of Exact Sciences
Classification: Likely benign for ERCC6L2-related condition. Last evaluated: 2022-07-20. Review status: no assertion criteria provided. Collection method: clinical testing. Allele origin: germline. Not counted in ClinVar's aggregate classification.
Comment: This variant is classified as likely benign based on ACMG/AMP sequence variant interpretation guidelines (Richards et al. 2015 PMID: 25741868, with internal and published modifications).